The following is an entry in ClinVar:

ClinVar aggregate classification (germline): Uncertain significance (1 of 4 stars; one submission).

Conditions:
Hypertrophic cardiomyopathy 1 (CMH1). Also called: Familial hypertrophic cardiomyopathy 1; MYH7-Related Familial Hypertrophic Cardiomyopathy. Identifiers: MedGen C3495498, MONDO:0008647, OMIM 192600.

gnomAD v4.1: 1 of 1,614,036 alleles (0.000062%); highest among the groups gnomAD compares: Middle Eastern, 0.017%; no homozygotes.

Submission:

Victorian Clinical Genetics Services, Murdoch Childrens Research Institute
Classification: Uncertain significance for Hypertrophic cardiomyopathy 1. Last evaluated: 2020-07-02. Review status: criteria provided, single submitter. Criteria: ACMG Guidelines, 2015. Collection method: clinical testing. Allele origin: germline. Affected: yes.
Comment: Based on the classification scheme VCGS_Germline_v1.1.1, this variant is classified as 3A-VUS. Following criteria are met: 0105 - The mechanism of disease for this gene is not clearly established, however missense variants have been proposed to act in a dominant negative manner (PMID: 24714796). (N) 0108 - This gene is known to be associated with both recessive and dominant disease. Dominant hypertrophic cardiomyopathy is predominantly associated with heterozygous variants and a more severe recessive disease is associated with compound heterozygous truncating and missense variants in this gene (PMID: 29300372). (N) 0112 - Variants in this gene are known to have reduced penetrance (PMID: 29300372). (N) 0200 - Variant is predicted to result in a missense amino acid change from lysine to asparagine (exon 20). (N) 0251 - Variant is heterozygous. (N) 0301 - Variant is absent from gnomAD. (P) 0309 - An alternative amino acid change at the same position has been observed in gnomAD v2 (1 Heterozygote, 0 Homozygotes). (N) 0501 - Missense variant consistently predicted to be damaging by multiple in silico tools or highly conserved with a major amino acid change. (P) 0601 - Variant affects at least one well-established (essential) functional domain or motif. This variant is located in the myosin motor domain (PMID: 29300372). (P) 0705 - No comparable variants have previous evidence for pathogenicity. (N) 0807 - Variant has not previously been reported in a clinical context. (N) 0905 - No segregation evidence has been identified for this variant in the literature. (N) 1007 - No published functional evidence has been identified for this variant in the literature. (N) 1208 - Inheritance information for this variant is not currently available. (N) Legend: (P) - Pathogenic, (N) - Neutral, (B) - Benign

Literature cited by the submitters: PubMed 24714796; PubMed 29300372.

NM_000257.4(MYH7):c.2232G>T (p.Lys744Asn)

Gene: MYH7 (myosin heavy chain 7; minus strand). Cytogenetic location: 14q11.2.
Variant type: single nucleotide variant.
Coding change: c.2232G>T on transcript NM_000257.4 (MANE Select); coding-DNA position 2232, G replaced by T.
Protein change: p.Lys744Asn; replaces lysine 744 with asparagine.
Molecular consequence: missense variant.
Genome position (GRCh38, 1-based): chr14:23,425,749, C>A on the plus strand (G>T on the coding strand, the complement: MYH7 is on the minus strand). VCF-style: chr14-23425749-C-A. GRCh37 (hg19) VCF-style: chr14-23894958-C-A.
Other names: c.2232G>T, p.Lys744Asn (NM_001407004.1); short protein forms K744N.
Identifiers: ClinVar variation 3377101 (VCV003377101.1).